The following is an entry in ClinVar:

ClinVar aggregate classification (germline): Uncertain significance (1 of 4 stars; one submission).

Conditions:
Charcot-Marie-Tooth disease type 2. Also called: Charcot-Marie-Tooth type 2. Identifiers: Orphanet 64746, MedGen C0270914, MONDO:0018993.

Allele frequency attached by ClinVar (database versions not stated): TOPMed 0.00001; gnomAD exomes below 0.00001.

Submission:

Labcorp Genetics (formerly Invitae), Labcorp
Classification: Uncertain significance for Charcot-Marie-Tooth disease type 2. Last evaluated: 2017-07-19. Review status: criteria provided, single submitter. Criteria: Invitae Variant Classification Sherloc (09022015). Collection method: clinical testing. Allele origin: germline.
Comment: In summary, the available evidence is currently insufficient to determine the role of this variant in disease. Therefore, it has been classified as a Variant of Uncertain Significance. Algorithms developed to predict the effect of missense changes on protein structure and function output the following: SIFT: "Tolerated"; PolyPhen-2: "Benign"; Align-GVGD: "Class C0". The glutamine amino acid residue is found in multiple mammalian species, suggesting that this missense change does not adversely affect protein function. These predictions have not been confirmed by published functional studies and their clinical significance is uncertain. This variant has not been reported in the literature in individuals with GARS-related disease. This variant is not present in population databases (ExAC no frequency). This sequence change replaces arginine with glutamine at codon 474 of the GARS protein (p.Arg474Gln). The arginine residue is moderately conserved and there is a small physicochemical difference between arginine and glutamine.

NM_002047.4(GARS1):c.1421G>A (p.Arg474Gln)

Gene: GARS1 (glycyl-tRNA synthetase 1; plus strand). Cytogenetic location: 7p14.3.
Variant type: single nucleotide variant.
Coding change: c.1421G>A on transcript NM_002047.4 (MANE Select); coding-DNA position 1421, G replaced by A.
Protein change: p.Arg474Gln; replaces arginine 474 with glutamine.
Molecular consequence: missense variant.
Genome position (GRCh38, 1-based): chr7:30,621,454, G>A. VCF-style: chr7-30621454-G-A. GRCh37 (hg19) VCF-style: chr7-30661070-G-A.
Other names: c.1421G>A (LRG_243t1); c.1259G>A, p.Arg420Gln (NM_001316772.1); short protein forms R474Q, R420Q.
Identifiers: ClinVar variation 476750 (VCV000476750.8), dbSNP rs1345590827, ClinGen allele CA367128210.